The following is an entry in ClinVar:

NM_001378452.1(ITPR1):c.2566T>C (p.Ser856Pro)

Gene: ITPR1 (inositol 1,4,5-trisphosphate receptor type 1; plus strand). Cytogenetic location: 3p26.1.
Variant type: single nucleotide variant.
Coding change: c.2566T>C on transcript NM_001378452.1 (MANE Select); coding-DNA position 2566, T replaced by C.
Protein change: p.Ser856Pro; replaces serine 856 with proline.
Molecular consequence: missense variant.
Genome position (GRCh38, 1-based): chr3:4,674,311, T>C. VCF-style: chr3-4674311-T-C. GRCh37 (hg19) VCF-style: chr3-4715995-T-C.
Other names: c.2566T>C, p.Ser856Pro (NM_001099952.4); c.2521T>C, p.Ser841Pro (NM_001168272.2, NM_002222.7); short protein forms S841P, S856P.
Identifiers: ClinVar variation 4882079 (VCV004882079.2).

ClinVar aggregate classification (germline): Uncertain significance (1 of 4 stars; one submission).

Submission:

Dasa
Classification: Uncertain significance. Last evaluated: 2025-04-10. Review status: criteria provided, single submitter. Criteria: DASA Assertion Criteria. Collection method: clinical testing. Allele origin: germline.
Comment: NM_001378452.1(ITPR1):c.2566T>C (p.Ser856Pro) is a missense variant that results in the substitution of serine with proline. This variant is absent from population databases. The currently available literature and clinical evidence are not sufficient to establish a definitive association between this variant and the reported condition. Therefore, this variant is classified as a variant of uncertain significance.